The following is an entry in ClinVar:

NM_198253.3(TERT):c.1070del (p.Ala357fs)

Gene: TERT (telomerase reverse transcriptase; minus strand). Cytogenetic location: 5p15.33.
Variant type: Deletion.
Coding change: c.1070del on transcript NM_198253.3 (MANE Select); coding-DNA position 1070, one base deleted (C; older notation c.1070delC).
Protein change: p.Ala357fs; shifts the reading frame from alanine 357.
Molecular consequence: frameshift variant. On other transcripts: non-coding transcript variant (2).
Genome position (GRCh38, 1-based): chr5:1,293,816, G deleted on the plus strand (C on the coding strand, the reverse complement: TERT is on the minus strand). VCF-style (leftmost placement, unchanged base first): chr5-1293815-AG-A. GRCh37 (hg19) VCF-style: chr5-1293930-AG-A.
Other names: c.1070del, p.Ala357fs (NM_001193376.3); c.1070delC, p.Ala357Valfs (NM_003219.1); short protein forms A357fs.
Identifiers: ClinVar variation 2950141 (VCV002950141.3), dbSNP rs2478415125, ClinGen allele CA2740091658.

ClinVar aggregate classification (germline): Pathogenic (1 of 4 stars; one submission).

Conditions:
Idiopathic Pulmonary Fibrosis. Also called: Idiopathic fibrosing alveolitis, chronic form; idiopathic fibrosing alveolitis. Identifiers: Orphanet 2032, MedGen C1800706, MeSH D054990, MONDO:0800504.
Dyskeratosis congenita, autosomal dominant 2. Identifiers: MedGen C3151443, MONDO:0013521, OMIM 613989.

Submission:

Labcorp Genetics (formerly Invitae), Labcorp
Classification: Pathogenic for Dyskeratosis congenita, autosomal dominant 2; Idiopathic Pulmonary Fibrosis. Last evaluated: 2023-07-20. Review status: criteria provided, single submitter. Criteria: Invitae Variant Classification Sherloc (09022015). Collection method: clinical testing. Allele origin: germline.
Comment: This sequence change creates a premature translational stop signal (p.Ala357Valfs*152) in the TERT gene. It is expected to result in an absent or disrupted protein product. Loss-of-function variants in TERT are known to be pathogenic (PMID: 16247010, 17460043). This variant is not present in population databases (gnomAD no frequency). This variant has not been reported in the literature in individuals affected with TERT-related conditions. For these reasons, this variant has been classified as Pathogenic.

Literature cited by the submitters: PubMed 16247010; PubMed 17460043.